The following is an entry in ClinVar:

ClinVar aggregate classification (germline): Uncertain significance. Review status: criteria provided, multiple submitters, no conflicts (2 of 4 stars). 2 submissions from 2 submitters: Uncertain significance (2). Last evaluated 2026-01-08.

gnomAD v4.1: 29 of 1,598,562 alleles (0.0018%); highest among the groups gnomAD compares: Middle Eastern, 0.017%; no homozygotes.

Submissions (2):

Labcorp Genetics (formerly Invitae), Labcorp
Classification: Uncertain significance. Last evaluated: 2026-01-08. Review status: criteria provided, single submitter. Criteria: Invitae Variant Classification Sherloc (09022015). Collection method: clinical testing. Allele origin: germline.
Comment: This sequence change replaces alanine, which is neutral and non-polar, with threonine, which is neutral and polar, at codon 650 of the FMN1 protein (p.Ala650Thr). This variant is present in population databases (rs372119445, gnomAD 0.01%). This variant has not been reported in the literature in individuals affected with FMN1-related conditions. ClinVar contains an entry for this variant (Variation ID: 3625550). An algorithm developed to predict the effect of missense changes on protein structure and function outputs the following: PolyPhen-2: "Not Available". The threonine amino acid residue is found in multiple mammalian species, which suggests that this missense change does not adversely affect protein function. In summary, the available evidence is currently insufficient to determine the role of this variant in disease. Therefore, it has been classified as a Variant of Uncertain Significance.

Ambry Genetics
Classification: Uncertain significance. Last evaluated: 2025-11-03. Review status: criteria provided, single submitter. Criteria: Ambry Variant Classification Scheme 2023. Collection method: clinical testing. Allele origin: germline.

NM_001277313.2(FMN1):c.2617G>A (p.Ala873Thr)

Gene: FMN1 (formin 1; minus strand). Cytogenetic location: 15q13.3.
Variant type: single nucleotide variant.
Coding change: c.2617G>A on transcript NM_001277313.2 (MANE Select); coding-DNA position 2617, G replaced by A.
Protein change: p.Ala873Thr; replaces alanine 873 with threonine.
Molecular consequence: missense variant.
Genome position (GRCh38, 1-based): chr15:32,969,084, C>T on the plus strand (G>A on the coding strand, the complement: FMN1 is on the minus strand). VCF-style: chr15-32969084-C-T. GRCh37 (hg19) VCF-style: chr15-33261285-C-T.
Other names: c.1948G>A, p.Ala650Thr (NM_001103184.4); c.1948G>A (NM_001103184.2); short protein forms A650T, A873T.
Identifiers: ClinVar variation 3625550 (VCV003625550.3).
Genomic context (GRCh38, chr15:32,969,084, plus strand): 5'-GAGGTGCGGGAGACAAAGATCCAAGTCCTGAGGGGAGGGGCGGAGGGGGAGGGATGGATG[C>T]GGGAGGCGGAGGCAATGCCTTCTGCTGATTTGATGCCATGCCCTCCATTGGCTGGAGTGC-3'
Protein context (NP_001264242.1, residues 863-883): NQQKALPPPP[Ala873Thr]SIPPPPPLPS